The following is an entry in ClinVar:

ClinVar aggregate classification (germline): Pathogenic. Review status: criteria provided, multiple submitters, no conflicts (2 of 4 stars). 2 submissions from 2 submitters: Pathogenic (2). Last evaluated 2025-08-07.

Conditions:
Hereditary cancer-predisposing syndrome. Also called: Neoplastic Syndromes, Hereditary; Tumor predisposition; Hereditary Cancer Syndrome; Hereditary neoplastic syndrome. Identifiers: Orphanet 140162, MedGen C0027672, MeSH D009386, MONDO:0015356.
PTCH1-related disorder. Also called: PTCH1-related disorders; PTCH1-related condition.
Gorlin syndrome. Also called: Nevoid Basal Cell Carcinoma Syndrome; Basal cell nevus syndrome. Identifiers: Orphanet 377, MedGen C0004779, MONDO:0007187.

Submissions (2):

Labcorp Genetics (formerly Invitae), Labcorp
Classification: Pathogenic for Gorlin syndrome. Last evaluated: 2025-08-07. Review status: criteria provided, single submitter. Criteria: Invitae Variant Classification Sherloc (09022015). Collection method: clinical testing. Allele origin: germline.
Comment: This sequence change creates a premature translational stop signal (p.Tyr93*) in the PTCH1 gene. It is expected to result in an absent or disrupted protein product. Loss-of-function variants in PTCH1 are known to be pathogenic (PMID: 16301862, 16419085). This variant is not present in population databases (gnomAD no frequency). This premature translational stop signal has been observed in individual(s) with nevoid basal cell carcinoma syndrome (PMID: 11457640). ClinVar contains an entry for this variant (Variation ID: 524575). For these reasons, this variant has been classified as Pathogenic.

Ambry Genetics
Classification: Pathogenic for Hereditary cancer-predisposing syndrome. Last evaluated: 2017-01-11. Review status: criteria provided, single submitter. Criteria: Ambry Variant Classification Scheme 2023. Collection method: clinical testing. Allele origin: germline.
Comment: The c.279delC pathogenic mutation, located in coding exon 2 of the PTCH1 gene, results from a deletion of one nucleotide at nucleotide position 279, causing a translational frameshift with a predicted alternate stop codon (p.Y93*). A different alteration (c.279C>A) resulting in the same stop codon (p.Y93*) has been reported in a family with nevoid basal cell carcinoma syndrome (NBCCS) (Minami M et al. J. Dermatol. Sci., 2001 Sep;27:21-6). This alteration is expected to result in loss of function by premature protein truncation or nonsense-mediated mRNA decay. As such, this alteration is interpreted as a disease-causing mutation.

Literature cited by the submitters: PubMed 16301862 (cited by Labcorp Genetics (formerly Invitae), Labcorp); PubMed 16419085 (cited by Labcorp Genetics (formerly Invitae), Labcorp); PubMed 11457640 (cited by Labcorp Genetics (formerly Invitae), Labcorp and Ambry Genetics).

NM_000264.5(PTCH1):c.279del (p.Cys92_Tyr93insTer)

Gene: PTCH1 (patched 1; minus strand). Cytogenetic location: 9q22.32.
Variant type: Deletion.
Coding change: c.279del on transcript NM_000264.5 (MANE Select); coding-DNA position 279, one base deleted (C; older notation c.279delC).
Protein change: p.Cys92_Tyr93insTer.
Molecular consequence: nonsense. On other transcripts: 5 prime UTR variant (4), non-coding transcript variant (1).
Genome position (GRCh38, 1-based): chr9:95,506,522, G deleted on the plus strand (C on the coding strand, the reverse complement: PTCH1 is on the minus strand). VCF-style (leftmost placement, unchanged base first): chr9-95506521-TG-T. GRCh37 (hg19) VCF-style: chr9-98268803-TG-T.
Other names: c.81del, p.Cys26_Tyr27insTer (NM_001083602.3, NM_001354919.2); c.276del, p.Cys91_Tyr92insTer (NM_001083603.3); c.-175del (NM_001083604.3, NM_001083605.3, NM_001083606.3 and 1 more transcripts); c.279del, p.Cys92_Tyr93insTer (NM_001354918.2); c.279delC (NM_000264.5).
Identifiers: ClinVar variation 524575 (VCV000524575.14), dbSNP rs1554708753, ClinGen allele CA658797247.